The following is an entry in ClinVar:

ClinVar aggregate classification (germline): Uncertain significance (1 of 4 stars; one submission).

Conditions:
Familial adenomatous polyposis 1 (FAP1). Also called: FAMILIAL ADENOMATOUS POLYPOSIS 1, ATTENUATED; POLYPOSIS, ADENOMATOUS INTESTINAL. Identifiers: MedGen C2713442, MONDO:0021056, OMIM 175100. Disease mechanism: loss of function.

Submission:

Labcorp Genetics (formerly Invitae), Labcorp
Classification: Uncertain significance for Familial adenomatous polyposis 1. Last evaluated: 2024-04-07. Review status: criteria provided, single submitter. Criteria: Invitae Variant Classification Sherloc (09022015). Collection method: clinical testing. Allele origin: germline.
Comment: This variant occurs in a non-coding region of the APC gene. It does not change the encoded amino acid sequence of the APC protein. This variant is not present in population databases (gnomAD no frequency). This variant has not been reported in the literature in individuals affected with APC-related conditions. Experimental studies and prediction algorithms are not available or were not evaluated, and the functional significance of this variant is currently unknown. In summary, the available evidence is currently insufficient to determine the role of this variant in disease. Therefore, it has been classified as a Variant of Uncertain Significance.

NC_000005.10:g.112707352G>A

Gene: APC (APC regulator of Wnt signaling pathway; plus strand). Cytogenetic location: 5q22.2.
Variant type: single nucleotide variant.
Genome position: GRCh38 VCF-style: chr5-112707352-G-A. GRCh37 (hg19) VCF-style: chr5-112043049-G-A.
Identifiers: ClinVar variation 3619865 (VCV003619865.2).